The following is an entry in ClinVar:

NM_000051.4(ATM):c.1046T>C (p.Met349Thr)

Gene: ATM (ATM serine/threonine kinase; plus strand). Cytogenetic location: 11q22.3.
Variant type: single nucleotide variant.
Coding change: c.1046T>C on transcript NM_000051.4 (MANE Select); coding-DNA position 1046, T replaced by C.
Protein change: p.Met349Thr; replaces methionine 349 with threonine.
Molecular consequence: missense variant.
Genome position (GRCh38, 1-based): chr11:108,247,108, T>C. VCF-style: chr11-108247108-T-C. GRCh37 (hg19) VCF-style: chr11-108117835-T-C.
Other names: c.1046T>C, p.Met349Thr (NM_001351834.2); short protein forms M349T.
Identifiers: ClinVar variation 524258 (VCV000524258.8), dbSNP rs1555068577, ClinGen allele CA382531739.

ClinVar aggregate classification (germline): Uncertain significance. Review status: criteria provided, multiple submitters, no conflicts (2 of 4 stars). 2 submissions from 2 submitters: Uncertain significance (2). Last evaluated 2024-07-31.

Conditions:
Hereditary cancer-predisposing syndrome. Also called: Neoplastic Syndromes, Hereditary; Tumor predisposition; Hereditary Cancer Syndrome; Hereditary neoplastic syndrome. Identifiers: Orphanet 140162, MedGen C0027672, MeSH D009386, MONDO:0015356.
Ataxia-telangiectasia syndrome (AT). Also called: ATAXIA-TELANGIECTASIA, COMPLEMENTATION GROUP A; ATAXIA-TELANGIECTASIA, FRESNO VARIANT; Ataxia-telangiectasia; Ataxia-telangiectasia, complementation group D; AT, COMPLEMENTATION GROUP C; Ataxia-telangiectasia, complementation group E. Identifiers: Orphanet 100, MedGen C0004135, MONDO:0008840, OMIM 208900.

Submissions (2):

Ambry Genetics
Classification: Uncertain significance for Hereditary cancer-predisposing syndrome. Last evaluated: 2024-07-31. Review status: criteria provided, single submitter. Criteria: Ambry Variant Classification Scheme 2023. Collection method: clinical testing. Allele origin: germline.
Comment: The p.M349T variant (also known as c.1046T>C), located in coding exon 7 of the ATM gene, results from a T to C substitution at nucleotide position 1046. The methionine at codon 349 is replaced by threonine, an amino acid with similar properties. This amino acid position is not well conserved in available vertebrate species. In addition, this alteration is predicted to be tolerated by in silico analysis. Based on the available evidence, the clinical significance of this variant remains unclear.

Labcorp Genetics (formerly Invitae), Labcorp
Classification: Uncertain significance for Ataxia-telangiectasia syndrome. Last evaluated: 2017-08-06. Review status: criteria provided, single submitter. Criteria: Invitae Variant Classification Sherloc (09022015). Collection method: clinical testing. Allele origin: germline.
Comment: In summary, the available evidence is currently insufficient to determine the role of this variant in disease. Therefore, it has been classified as a Variant of Uncertain Significance. Algorithms developed to predict the effect of missense changes on protein structure and function (SIFT, PolyPhen-2, Align-GVGD) all suggest that this variant is likely to be tolerated, but these predictions have not been confirmed by published functional studies and their clinical significance is uncertain. This variant has not been reported in the literature in individuals with ATM-related disease. This variant is not present in population databases (ExAC no frequency). This sequence change replaces methionine with threonine at codon 349 of the ATM protein (p.Met349Thr). The methionine residue is moderately conserved and there is a moderate physicochemical difference between methionine and threonine.